The following is an entry in ClinVar:

ClinVar aggregate classification (germline): Pathogenic (1 of 4 stars; one submission).

Conditions:
Intellectual developmental disorder, autosomal dominant 1. Also called: Intellectual disability, autosomal dominant 1; MBD5 Haploinsufficiency. Identifiers: Orphanet 228402, MedGen C1969562, MONDO:0007974, OMIM 156200.

Submission:

Labcorp Genetics (formerly Invitae), Labcorp
Classification: Pathogenic for Intellectual developmental disorder, autosomal dominant 1. Last evaluated: 2020-02-26. Review status: criteria provided, single submitter. Criteria: Invitae Variant Classification Sherloc (09022015). Collection method: clinical testing. Allele origin: germline.
Comment: This sequence change creates a premature translational stop signal (p.Ser236*) in the MBD5 gene. It is expected to result in an absent or disrupted protein product. This variant is not present in population databases (ExAC no frequency). This variant has not been reported in the literature in individuals with MBD5-related conditions. Loss-of-function variants in MBD5 are known to be pathogenic (PMID: 23422940, 23587880). For these reasons, this variant has been classified as Pathogenic.

Literature cited by the submitters: PubMed 23422940; PubMed 23587880.

NM_001378120.1(MBD5):c.707C>G (p.Ser236Ter)

Gene: MBD5 (methyl-CpG binding domain protein 5; plus strand). Cytogenetic location: 2q23.1.
Variant type: single nucleotide variant.
Coding change: c.707C>G on transcript NM_001378120.1 (MANE Select); coding-DNA position 707, C replaced by G.
Protein change: p.Ser236Ter; replaces serine 236 with a stop codon.
Molecular consequence: nonsense.
Genome position (GRCh38, 1-based): chr2:148,468,650, C>G. VCF-style: chr2-148468650-C-G. GRCh37 (hg19) VCF-style: chr2-149226219-C-G.
Other names: c.707C>G, p.Ser236Ter (NM_018328.5); short protein forms S236*.
Identifiers: ClinVar variation 1074163 (VCV001074163.8), dbSNP rs766179352, ClinGen allele CA348717515.